The following is an entry in ClinVar:

NM_000543.5(SMPD1):c.1082G>A (p.Arg361His)

Gene: SMPD1 (sphingomyelin phosphodiesterase 1; plus strand). Cytogenetic location: 11p15.4.
Variant type: single nucleotide variant.
Coding change: c.1082G>A on transcript NM_000543.5 (MANE Select); coding-DNA position 1082, G replaced by A.
Protein change: p.Arg361His; replaces arginine 361 with histidine.
Molecular consequence: missense variant. On other transcripts: non-coding transcript variant (1).
Genome position (GRCh38, 1-based): chr11:6,392,147, G>A. VCF-style: chr11-6392147-G-A. GRCh37 (hg19) VCF-style: chr11-6413377-G-A.
Other names: p.Arg361His; c.1079G>A, p.Arg360His (NM_001007593.3); c.1082G>A, p.Arg361His (NM_001318087.2, NM_001365135.2); c.121G>A, p.Ala41Thr (NM_001318088.2); short protein forms R360H, R361H, A41T.
Identifiers: ClinVar variation 965430 (VCV000965430.7), dbSNP rs148892841, ClinGen allele CA5852750.
Genomic context (GRCh38, chr11:6,392,147, plus strand): 5'-GCTGGCTCTATGAAGCGATGGCCAAGGCTTGGGAGCCCTGGCTGCCTGCCGAAGCCCTGC[G>A]CACCCTCAGGTACTTATCGTCCGTGGAAACCCAGGAAGGGAAAAGAAAGGTGAATGAAAG-3'
Protein context (NP_000534.3, residues 351-371): WEPWLPAEAL[Arg361His]TLRIGGFYAL

ClinVar aggregate classification (germline): Uncertain significance. Review status: criteria provided, multiple submitters, no conflicts (2 of 4 stars). 5 submissions from 5 submitters: Uncertain significance (4). 1 of the submissions does not count toward it. Last evaluated 2023-10-05.

Conditions:
Niemann-Pick disease, type A. Also called: SPHINGOMYELIN LIPIDOSIS; SPHINGOMYELINASE DEFICIENCY; Infantile Neurovisceral ASMD (Niemann-Pick Disease Type A; NPD-A). Identifiers: Orphanet 77292, MedGen C0268242, MONDO:0009756, OMIM 257200. Disease mechanism: loss of function.
Niemann-Pick disease, type B. Also called: Chronic Visceral ASMD (Niemann-Pick Disease Type B; NPD-B). Identifiers: Orphanet 77293, MedGen C0268243, MONDO:0011871, OMIM 607616. Disease mechanism: loss of function.

Allele frequency attached by ClinVar (database versions not stated): gnomAD 0.00003 and 0.00004; ESP Exome Variant Server 0.00008; TOPMed 0.00004; ExAC 0.00006; gnomAD exomes 0.00005.

Submissions (5):

Mayo Clinic Laboratories, Mayo Clinic
Classification: Uncertain significance. Last evaluated: 2023-10-05. Review status: criteria provided, single submitter. Criteria: ACMG Guidelines, 2015. Collection method: clinical testing. Allele origin: germline. Observed: 1 variant allele.
Comment: PM2_moderate

Labcorp Genetics (formerly Invitae), Labcorp
Classification: Uncertain significance for Niemann-Pick disease, type B; Niemann-Pick disease, type A. Last evaluated: 2021-09-01. Review status: criteria provided, single submitter. Criteria: Invitae Variant Classification Sherloc (09022015). Collection method: clinical testing. Allele origin: germline.
Comment: This sequence change replaces arginine with histidine at codon 361 of the SMPD1 protein (p.Arg361His). The arginine residue is moderately conserved and there is a small physicochemical difference between arginine and histidine. This variant is present in population databases (rs148892841, ExAC 0.009%). This variant has not been reported in the literature in individuals affected with SMPD1-related conditions. Algorithms developed to predict the effect of missense changes on protein structure and function output the following: SIFT: "Tolerated"; PolyPhen-2: "Benign"; Align-GVGD: "Class C0". The histidine amino acid residue is found in multiple mammalian species, which suggests that this missense change does not adversely affect protein function. In summary, the available evidence is currently insufficient to determine the role of this variant in disease. Therefore, it has been classified as a Variant of Uncertain Significance.

Blueprint Genetics
Classification: Uncertain significance. Last evaluated: 2021-07-28. Review status: criteria provided, single submitter. Criteria: ACMG Guidelines, 2015. Collection method: clinical testing. Allele origin: germline.

GeneDx
Classification: Uncertain significance. Last evaluated: 2019-02-27. Review status: criteria provided, single submitter. Criteria: GeneDx Variant Classification Process June 2021. Collection method: clinical testing. Allele origin: germline. Affected: yes.
Comment: Has not been previously published as pathogenic or benign to our knowledge; Not observed at a significant frequency in large population cohorts (Lek et al., 2016); In silico analysis, which includes protein predictors and evolutionary conservation, supports that this variant does not alter protein structure/function; The majority of missense variants in this gene are considered pathogenic (Stenson et al., 2014)

Natera, Inc.
Classification: Uncertain significance for Niemann-Pick Disease, Types A/B. Last evaluated: 2018-08-16. Review status: no assertion criteria provided. Collection method: clinical testing. Allele origin: germline. Not counted in ClinVar's aggregate classification.